The following is an entry in ClinVar:

ClinVar aggregate classification (germline): Likely benign. Review status: reviewed by expert panel (3 of 4 stars). 15 submissions from 15 submitters: Likely benign (1). 14 of the submissions do not count toward it. Last evaluated 2024-05-21.

Conditions:
GAA-related disorder. Also called: GAA-related condition.
Cardiovascular phenotype. Identifiers: MedGen CN230736.
Glycogen storage disease, type II (IOPD). Also called: CARDIOMEGALIA GLYCOGENICA DIFFUSA; GLYCOGENOSIS, GENERALIZED, CARDIAC FORM; GSD II; Pompe Disease; POMPE DISEASE, INFANTILE-ONSET; GLYCOGEN STORAGE DISEASE II, INFANTILE-ONSET. Identifiers: Orphanet 365, MedGen C0017921, MONDO:0009290, OMIM 232300.
Hypertrophic cardiomyopathy. Also called: HYPERTROPHIC MYOCARDIOPATHY. Identifiers: Orphanet 217569, MedGen C0007194, MeSH D002312, MONDO:0005045, HP:0001639.

Allele frequency attached by ClinVar (database versions not stated): ESP Exome Variant Server 0.00008; gnomAD exomes 0.00012 and 0.00027; TOPMed 0.00016; gnomAD 0.00020 and 0.00021; ExAC 0.00036.

Submissions (15):

ClinGen Lysosomal Storage Disorder Variant Curation Expert Panel
Classification: Likely benign for Glycogen storage disease, type II. Last evaluated: 2024-05-21. Review status: reviewed by expert panel. Criteria: clingen_lsd_acmg_specifications_v2-1. Collection method: curation. Allele origin: germline. Inheritance: Autosomal recessive inheritance.
Comment: The NM_000152.5:c.2152G>A variant in GAA is a missense variant predicted to cause substitution of valine by isoleucine at amino acid 718 (p.Val718Ile). The highest continental population minor allele frequency in gnomAD v2.1.1 is 0.00011 in the South Asian population, which is lower than the ClinGen Lysosomal Diseases VCEP's threshold (<0.001) for PM2_Supporting. The highest minor allele frequency in any population is 0.005329 in the Ashkenazi Jewish population. This allele frequency meets the criteria for BS1 (>0.005) but BS1 was not applied because the Ashkenazi Jewish population is not defined as a continental population (PMID: 30311383). When expressed in COS-7 cells, this variant does not result in significantly reduced GAA activity, and the gene product is normally synthesized and/or processed (PMID 22644586, 31228295) (BS3_Supporting). The computational predictor REVEL gives a score of 0.193 which is below the threshold of 0.5, evidence that does not predict a damaging effect on GAA function. The computational splicing predictor SpliceAI suggests that the variant has no impact on splicing (BP4). There is a ClinVar entry for this variant (Variation ID: 281232) with four submitters classifying the variant as a variant of uncertain significance, four as likely benign and one as benign. In summary, this variant meets the criteria to be classified as likely benign for Pompe disease. GAA-specific ACMG/AMP criteria met, based on the specifications of the ClinGen Lysosomal Diseases VCEP: BP4, BS3_Supporting. (Classification approved by the ClinGen Lysosomal Diseases VCEP on May 21, 2024)

Genomenon, Inc
Classification: Likely benign for Glycogen storage disease, type II. Last evaluated: 2026-07-01. Review status: criteria provided, single submitter. Criteria: Genomenon Sequence Variant Interpretation Standards - Updated. Collection method: curation. Allele origin: germline. Affected: no. Not counted in ClinVar's aggregate classification.
Comment: GAA p.Val718Ile (c.2152G>A) is a missense variant that changes the amino acid at codon 718 from Valine to Isoleucine. This variant has been reported in the published literature (PMID:22644586;30281819;31228295). Well-established functional studies show no damaging effect of this variant on protein function, supporting a benign classification (PMID:22644586). It is absent or not present at a significant frequency in gnomAD. In silico models predict that this variant is not damaging. In conclusion, we classify GAA p.Val718Ile (c.2152G>A) as a likely benign variant.

Labcorp Genetics (formerly Invitae), Labcorp
Classification: Likely benign for Glycogen storage disease, type II. Last evaluated: 2026-01-28. Review status: criteria provided, single submitter. Criteria: Invitae Variant Classification Sherloc (09022015). Collection method: clinical testing. Allele origin: germline. Not counted in ClinVar's aggregate classification.

PreventionGenetics, part of Exact Sciences
Classification: Likely benign for GAA-related condition. Last evaluated: 2025-01-07. Review status: criteria provided, single submitter. Criteria: ACMG Guidelines, 2015. Collection method: clinical testing. Allele origin: germline. Not counted in ClinVar's aggregate classification.
Comment: This variant is classified as likely benign based on ACMG/AMP sequence variant interpretation guidelines (Richards et al. 2015 PMID: 25741868, with internal and published modifications).

Blueprint Genetics
Classification: Likely benign. Last evaluated: 2024-10-25. Review status: criteria provided, single submitter. Criteria: ACMG Guidelines, 2015. Collection method: clinical testing. Allele origin: germline. Not counted in ClinVar's aggregate classification.

Genome-Nilou Lab
Classification: Uncertain significance for Glycogen storage disease, type II. Last evaluated: 2021-07-22. Review status: criteria provided, single submitter. Criteria: ACMG Guidelines, 2015. Collection method: clinical testing. Allele origin: germline. Affected: no. Not counted in ClinVar's aggregate classification.

Broad Center for Mendelian Genomics, Broad Institute of MIT and Harvard
Classification: Benign for Glycogen storage disease, type II. Last evaluated: 2020-01-22. Review status: criteria provided, single submitter. Criteria: ACMG Guidelines, 2015. Collection method: curation. Allele origin: germline. Inheritance: Autosomal recessive inheritance. Not counted in ClinVar's aggregate classification.
Comment: The p.Val718Ile variant in GAA has not been previously reported in individuals with Glycogen Storage Disease II but has been reported as a VUS (by EGL, Illumina, and Invitae) and a likely benign variant (by GeneDx and Mayo Clinic Genetic Testing Laboratories) in ClinVar (Variation ID: 281232). This variant has been identified in 0.533% (51/9570) of Ashkenazi Jewish chromosomes, 0.011% (3/27108) of South Asian chromosomes and 0.007% (8/112166) of European (non-Finnish) chromosomes by the Genome Aggregation Database (gnomAD; dbSNP rs141017311). This variant has been seen in the general population at a greater frequency than expected for Glycogen Storage Disease II and is consistent with a benign role. In vitro functional studies provide some evidence that the p.Val718Ile variant may have no impact on GAA activity or protein levels (PMID: 22644586). However, these types of assays may not accurately represent biological function. Computational prediction tools and conservation analyses suggest that this variant may not impact the protein, though this information is not predictive enough to rule out pathogenicity. In summary, this variant meets criteria to be classified as benign for Glycogen Storage Disease II in an autosomal recessive manner based on its frequency in the general population and well-established functional studies. ACMG/AMP Criteria applied: BS3, BS1, BP4 (Richards 2015).

Ambry Genetics
Classification: Likely benign for Cardiovascular phenotype. Last evaluated: 2019-08-12. Review status: criteria provided, single submitter. Criteria: Ambry Variant Classification Scheme 2023. Collection method: clinical testing. Allele origin: germline. Not counted in ClinVar's aggregate classification.

CeGaT Center for Human Genetics Tuebingen
Classification: Uncertain significance. Last evaluated: 2019-05-01. Review status: criteria provided, single submitter. Criteria: CeGaT Center For Human Genetics Tuebingen Variant Classification Criteria Version 2. Collection method: clinical testing. Allele origin: germline. Affected: yes. Observed: 1 variant allele. Not counted in ClinVar's aggregate classification.

Eurofins Ntd Llc (ga)
Classification: Uncertain significance. Last evaluated: 2018-03-29. Review status: criteria provided, single submitter. Criteria: EGL ClinVar v180209 classification definitions. Collection method: clinical testing. Allele origin: germline. Observed: 3 variant alleles, 3 heterozygotes. Not counted in ClinVar's aggregate classification.

Illumina Laboratory Services, Illumina
Classification: Uncertain significance for Glycogen storage disease, type II. Last evaluated: 2018-01-13. Review status: criteria provided, single submitter. Criteria: ICSL Variant Classification Criteria 13 December 2019. Collection method: clinical testing. Allele origin: germline. Not counted in ClinVar's aggregate classification.

Center for Advanced Laboratory Medicine, UC San Diego Health, University of California San Diego
Classification: Likely benign for Hypertrophic cardiomyopathy. Last evaluated: 2017-06-19. Review status: criteria provided, single submitter. Criteria: ACMG Guidelines, 2015. Collection method: clinical testing. Allele origin: germline. Affected: yes. Observed: 1 variant allele. Not counted in ClinVar's aggregate classification.

GeneDx
Classification: Likely benign. Last evaluated: 2017-04-20. Review status: criteria provided, single submitter. Criteria: GeneDx Variant Classification (06012015). Collection method: clinical testing. Allele origin: germline. Affected: yes. Not counted in ClinVar's aggregate classification.
Comment: This variant is considered likely benign or benign based on one or more of the following criteria: it is a conservative change, it occurs at a poorly conserved position in the protein, it is predicted to be benign by multiple in silico algorithms, and/or has population frequency not consistent with disease.

Natera, Inc.
Classification: Likely benign for Glycogen storage disease type II. Last evaluated: 2020-09-16. Review status: no assertion criteria provided. Collection method: clinical testing. Allele origin: germline. Not counted in ClinVar's aggregate classification.

Mayo Clinic Laboratories, Mayo Clinic
Classification: Likely benign. Last evaluated: 2017-05-10. Review status: no assertion criteria provided. Collection method: clinical testing. Allele origin: unknown. Not counted in ClinVar's aggregate classification.

Literature cited by the submitters: PubMed 22644586 (cited by 4 submitters); PubMed 31228295 (cited by ClinGen Lysosomal Storage Disorder Variant Curation Expert Panel and Genomenon, Inc); PubMed 30281819 (cited by Genomenon, Inc).

NM_000152.5(GAA):c.2152G>A (p.Val718Ile)

Gene: GAA (alpha glucosidase; plus strand). Cytogenetic location: 17q25.3.
Variant type: single nucleotide variant.
Coding change: c.2152G>A on transcript NM_000152.5 (MANE Select); coding-DNA position 2152, G replaced by A.
Protein change: p.Val718Ile; replaces valine 718 with isoleucine.
Molecular consequence: missense variant.
Genome position (GRCh38, 1-based): chr17:80,113,329, G>A. VCF-style: chr17-80113329-G-A. GRCh37 (hg19) VCF-style: chr17-78087128-G-A.
Other names: NM_000152.5(GAA):c.2152G>A; c.2152G>A (LRG_673t1); c.2152G>A, p.Val718Ile (NM_001079803.3, NM_001079804.3); short protein forms V718I.
Identifiers: ClinVar variation 281232 (VCV000281232.74), dbSNP rs141017311, ClinGen allele CA8815626.